The following is an entry in ClinVar:

ClinVar aggregate classification (germline): Uncertain significance (1 of 4 stars; one submission).

Conditions:
Cardiovascular phenotype. Identifiers: MedGen CN230736.

Submission:

Ambry Genetics
Classification: Uncertain significance for Cardiovascular phenotype. Last evaluated: 2026-03-21. Review status: criteria provided, single submitter. Criteria: Ambry Variant Classification Scheme 2023. Collection method: clinical testing. Allele origin: germline.
Comment: The p.T1654I variant (also known as c.4961C>T), located in coding exon 26 of the APOB gene, results from a C to T substitution at nucleotide position 4961. The threonine at codon 1654 is replaced by isoleucine, an amino acid with similar properties. This amino acid position is conserved. In addition, this alteration is predicted to be tolerated by in silico analysis. Based on the available evidence, the clinical significance of this variant remains unclear.

NM_000384.3(APOB):c.4961C>T (p.Thr1654Ile)

Gene: APOB (apolipoprotein B; minus strand). Cytogenetic location: 2p24.1.
Variant type: single nucleotide variant.
Coding change: c.4961C>T on transcript NM_000384.3 (MANE Select); coding-DNA position 4961, C replaced by T.
Protein change: p.Thr1654Ile; replaces threonine 1654 with isoleucine.
Molecular consequence: missense variant.
Genome position (GRCh38, 1-based): chr2:21,011,907, G>A on the plus strand (C>T on the coding strand, the complement: APOB is on the minus strand). VCF-style: chr2-21011907-G-A. GRCh37 (hg19) VCF-style: chr2-21234779-G-A.
Other names: short protein forms T1654I.
Identifiers: ClinVar variation 4862281 (VCV004862281.1).